The following is an entry in ClinVar:

ClinVar aggregate classification (germline): Uncertain significance. Review status: criteria provided, single submitter (1 of 4 stars). 2 submissions from 2 submitters: Uncertain significance (1). 1 of the submissions does not count toward it. Last evaluated 2022-07-19.

Conditions:
Nemaline myopathy 2 (NEM2). Also called: Nemaline myopathy 2, autosomal recessive. Identifiers: MedGen C1850569, MONDO:0009725, OMIM 256030.

Allele frequency attached by ClinVar (database versions not stated): gnomAD exomes below 0.00001.
gnomAD v4.1: 3 of 1,613,904 alleles (0.00019%); highest among the groups gnomAD compares: South Asian, 0.0011%; no homozygotes.

Submissions (2):

Labcorp Genetics (formerly Invitae), Labcorp
Classification: Uncertain significance for Nemaline myopathy 2. Last evaluated: 2022-07-19. Review status: criteria provided, single submitter. Criteria: Invitae Variant Classification Sherloc (09022015). Collection method: clinical testing. Allele origin: germline.
Comment: This sequence change replaces serine, which is neutral and polar, with asparagine, which is neutral and polar, at codon 3430 of the NEB protein (p.Ser3430Asn). This variant is present in population databases (no rsID available, gnomAD 0.0009%). This variant has not been reported in the literature in individuals affected with NEB-related conditions. ClinVar contains an entry for this variant (Variation ID: 1057856). Algorithms developed to predict the effect of missense changes on protein structure and function are either unavailable or do not agree on the potential impact of this missense change (SIFT: "Deleterious"; PolyPhen-2: "Not Available"; Align-GVGD: "Class C0"). In summary, the available evidence is currently insufficient to determine the role of this variant in disease. Therefore, it has been classified as a Variant of Uncertain Significance.

Natera, Inc.
Classification: Uncertain significance for Nemaline myopathy type 2. Last evaluated: 2021-10-01. Review status: no assertion criteria provided. Collection method: clinical testing. Allele origin: germline. Not counted in ClinVar's aggregate classification.

NM_001164508.2(NEB):c.10289G>A (p.Ser3430Asn)

Gene: NEB (nebulin; minus strand). Cytogenetic location: 2q23.3.
Variant type: single nucleotide variant.
Coding change: c.10289G>A on transcript NM_001164508.2 (MANE Select); coding-DNA position 10289, G replaced by A.
Protein change: p.Ser3430Asn; replaces serine 3430 with asparagine.
Molecular consequence: missense variant.
Genome position (GRCh38, 1-based): chr2:151,627,060, C>T on the plus strand (G>A on the coding strand, the complement: NEB is on the minus strand). VCF-style: chr2-151627060-C-T. GRCh37 (hg19) VCF-style: chr2-152483574-C-T.
Other names: c.10289G>A, p.Ser3430Asn (NM_001164507.2, NM_001271208.2); c.9560G>A, p.Ser3187Asn (NM_004543.5); short protein forms S3187N, S3430N.
Identifiers: ClinVar variation 1057856 (VCV001057856.10), dbSNP rs1370385550, ClinGen allele CA348792110.